The following is an entry in ClinVar:

ClinVar aggregate classification (germline): Uncertain significance (1 of 4 stars; one submission).

Conditions:
Intellectual developmental disorder, X-linked, syndromic, Raymond type. Also called: Syndromic X-linked intellectual disability Raymond type. Identifiers: MedGen C3275406, MONDO:0010427, OMIM 300799.

Submission:

Labcorp Genetics (formerly Invitae), Labcorp
Classification: Uncertain significance for Intellectual developmental disorder, X-linked, syndromic, Raymond type. Last evaluated: 2025-02-12. Review status: criteria provided, single submitter. Criteria: Invitae Variant Classification Sherloc (09022015). Collection method: clinical testing. Allele origin: germline.
Comment: This sequence change replaces leucine, which is neutral and non-polar, with proline, which is neutral and non-polar, at codon 230 of the ZDHHC9 protein (p.Leu230Pro). This variant is not present in population databases (gnomAD no frequency). This variant has not been reported in the literature in individuals affected with ZDHHC9-related conditions. Invitae Evidence Modeling of protein sequence and biophysical properties (such as structural, functional, and spatial information, amino acid conservation, physicochemical variation, residue mobility, and thermodynamic stability) indicates that this missense variant is not expected to disrupt ZDHHC9 protein function with a negative predictive value of 80%. In summary, the available evidence is currently insufficient to determine the role of this variant in disease. Therefore, it has been classified as a Variant of Uncertain Significance.

NM_016032.4(ZDHHC9):c.689T>C (p.Leu230Pro)

Gene: ZDHHC9 (zDHHC palmitoyltransferase 9; minus strand). Cytogenetic location: Xq26.1.
Variant type: single nucleotide variant.
Coding change: c.689T>C on transcript NM_016032.4 (MANE Select); coding-DNA position 689, T replaced by C.
Protein change: p.Leu230Pro; replaces leucine 230 with proline.
Molecular consequence: missense variant.
Genome position (GRCh38, 1-based): chrX:129,812,806, A>G on the plus strand (T>C on the coding strand, the complement: ZDHHC9 is on the minus strand). VCF-style: chrX-129812806-A-G. GRCh37 (hg19) VCF-style: chrX-128946782-A-G.
Other names: c.689T>C, p.Leu230Pro (NM_001008222.3); short protein forms L230P.
Identifiers: ClinVar variation 4744842 (VCV004744842.1).
Genomic context (GRCh38, chrX:129,812,806, plus strand): 5'-ACGAGGAAAGTATGAAATCCAGTCAGTCCCACGACGGACCAGAGTGTAAAGAAGCAAATG[A>G]GGACTTCTAGAACAGTGAGGTGTGGTTAAGGAGTATTGAAGAACTCAACATCAGGAGACT-3'
Protein context (NP_057116.2, residues 220-240): KETPGTVLEV[Leu230Pro]ICFFTLWSVV